The following is an entry in ClinVar:

NM_001267550.2(TTN):c.27625A>G (p.Lys9209Glu)

Gene: TTN (titin; minus strand). Cytogenetic location: 2q31.2.
Variant type: single nucleotide variant.
Coding change: c.27625A>G on transcript NM_001267550.2 (MANE Select); coding-DNA position 27625, A replaced by G.
Protein change: p.Lys9209Glu; replaces lysine 9209 with glutamic acid.
Molecular consequence: missense variant. On other transcripts: intron variant (3).
Genome position (GRCh38, 1-based): chr2:178,712,205, T>C on the plus strand (A>G on the coding strand, the complement: TTN is on the minus strand). VCF-style: chr2-178712205-T-C. GRCh37 (hg19) VCF-style: chr2-179576932-T-C.
Other names: c.26674A>G, p.Lys8892Glu (NM_001256850.1); c.23893A>G, p.Lys7965Glu (NM_133378.4); c.13282+25877A>G (NM_003319.4); c.13858+25877A>G (NM_133437.4); c.13657+25877A>G (NM_133432.3); short protein forms K7965E, K8892E, K9209E.
Identifiers: ClinVar variation 696696 (VCV000696696.28), dbSNP rs148355969, ClinGen allele CA1999759.

ClinVar aggregate classification (germline): Conflicting classifications of pathogenicity. Review status: criteria provided, conflicting classifications (1 of 4 stars). 8 submissions from 8 submitters: Uncertain significance (3); Likely benign (5). Last evaluated 2026-05-27.

Conditions:
TTN-related disorder. Also called: TTN-related disorders; TTN-related condition; TTN-related disease.
Dilated cardiomyopathy 1G (CMD1G). Identifiers: Orphanet 154, MedGen C1858763, MONDO:0011400, OMIM 604145.
Autosomal recessive limb-girdle muscular dystrophy type 2J (LGMDR10). Also called: MUSCULAR DYSTROPHY, LIMB-GIRDLE, AUTOSOMAL RECESSIVE 10; Limb-girdle muscular dystrophy, type 2J. Identifiers: Orphanet 140922, MedGen C1837342, MONDO:0012127, OMIM 608807.

Allele frequency attached by ClinVar (database versions not stated): gnomAD exomes 0.00003 and 0.00007; ExAC 0.00011; gnomAD 0.00022; TOPMed 0.00026; ESP Exome Variant Server 0.00041; 1000 Genomes Project 30x 0.00062; 1000 Genomes Project 0.00080.
gnomAD v4.1: 79 of 1,613,286 alleles (0.0049%); highest among the groups gnomAD compares: African/African-American, 0.095%; no homozygotes.

Submissions (8):

Women's Health and Genetics/Laboratory Corporation of America, LabCorp
Classification: Likely benign. Last evaluated: 2026-05-27. Review status: criteria provided, single submitter. Criteria: LabCorp Variant Classification Summary - May 2015. Collection method: clinical testing. Allele origin: germline.
Comment: Variant summary: TTN c.23893A>G (p.Lys7965Glu) results in a conservative amino acid change in the encoded protein sequence. Algorithms developed to predict the effect of missense changes on protein structure and function are either unavailable or do not agree on the potential impact of this missense change. The variant allele was found at a frequency of 7.3e-05 in 248124 control chromosomes, predominantly at a frequency of 0.00091 within the African or African-American subpopulation in the gnomAD database. The observed variant frequency within African or African-American control individuals in the gnomAD database exceeds the estimated maximal expected allele frequency for disease-causing variants in TTN. To our knowledge, no occurrence of c.23893A>G in individuals affected with TTN-related conditions and no experimental evidence demonstrating its impact on protein function have been reported. ClinVar contains an entry for this variant (Variation ID: 696696). Based on the evidence outlined above, the variant was classified as likely benign.

PreventionGenetics, part of Exact Sciences
Classification: Uncertain significance for TTN-related condition. Last evaluated: 2026-03-21. Review status: criteria provided, single submitter. Criteria: ACMG Guidelines, 2015. Collection method: clinical testing. Allele origin: germline.
Comment: The TTN c.27625A>G variant is predicted to result in the amino acid substitution p.Lys9209Glu. To our knowledge, this variant has not been reported in the literature. This variant is reported in 0.079% of alleles in individuals of African descent in gnomAD. Although we suspect that this variant may be benign, at this time, the clinical significance of this variant is uncertain due to the absence of conclusive functional and genetic evidence.

Labcorp Genetics (formerly Invitae), Labcorp
Classification: Likely benign for Dilated cardiomyopathy 1G; Autosomal recessive limb-girdle muscular dystrophy type 2J. Last evaluated: 2026-01-27. Review status: criteria provided, single submitter. Criteria: Invitae Variant Classification Sherloc (09022015). Collection method: clinical testing. Allele origin: germline.

Molecular Diagnostic Laboratory for Inherited Cardiovascular Disease, Montreal Heart Institute
Classification: Likely benign. Last evaluated: 2025-04-09. Review status: criteria provided, single submitter. Criteria: ACMG Guidelines, 2015. Collection method: clinical testing. Allele origin: germline. Affected: no.

ARUP Laboratories, Molecular Genetics and Genomics, ARUP Laboratories
Classification: Uncertain significance. Last evaluated: 2021-01-20. Review status: criteria provided, single submitter. Criteria: ARUP Molecular Germline Variant Investigation Process 2021. Collection method: clinical testing. Allele origin: germline.
Comment: The TTN c.27625A>G; p.Lys9209Glu variant (rs148355969; ClinVar Variation ID: 696696) is rare in the general population (<0.2% allele frequency in the Genome Aggregation Database) and has not been reported in the medical literature in association with dilated cardiomyopathy (DCM) or other TTN-related disease. The clinical relevance of rare missense variants in this gene, which are identified on average once per individual sequenced in affected populations (Herman 2012), is not well understood. Yet, evidence suggests that the vast majority of such missense variants do not contribute to the clinical outcome of DCM (Begay 2015). Thus, the clinical significance of the p.Lys9209Glu variant cannot be determined with certainty.

GeneDx
Classification: Likely benign. Last evaluated: 2020-03-31. Review status: criteria provided, single submitter. Criteria: GeneDx Variant Classification Process June 2021. Collection method: clinical testing. Allele origin: germline. Affected: yes.

Revvity Omics, Revvity
Classification: Uncertain significance. Last evaluated: 2019-06-17. Review status: criteria provided, single submitter. Criteria: ACMG Guidelines, 2015. Collection method: clinical testing. Allele origin: germline.

Athena Diagnostics
Classification: Likely benign. Last evaluated: 2018-11-14. Review status: criteria provided, single submitter. Criteria: Athena Diagnostics Criteria. Collection method: clinical testing. Allele origin: germline.